The following is an entry in ClinVar:

NM_004984.4(KIF5A):c.1741GAG[4] (p.Glu583dup)

Gene: KIF5A (kinesin family member 5A; plus strand). Cytogenetic location: 12q13.3.
Variant type: Microsatellite.
Coding change: c.1741GAG[4] on transcript NM_004984.4 (MANE Select); four copies in a row of the 3-base unit GAG starting at c.1741; the reference has three copies in a row; one copy, 3 bases duplicated.
Protein change: p.Glu583dup; duplicates glutamic acid 583.
Molecular consequence: inframe insertion.
Genome position (GRCh38, 1-based): chr12:57,575,114-57,575,116, GAG duplicated; duplicating any 3 consecutive bases within chr12:57,575,108-57,575,116 gives the same sequence; the position shown is the placement nearest the transcript's 3' end. VCF-style (leftmost placement, unchanged base first): chr12-57575107-C-CGAG. GRCh37 (hg19) VCF-style: chr12-57968890-C-CGAG.
Other names: c.1474GAG[4], p.Glu494dup (NM_001354705.2).
Identifiers: ClinVar variation 1401861 (VCV001401861.8), dbSNP rs1882381684, ClinGen allele CA2038935484.

ClinVar aggregate classification (germline): Uncertain significance (1 of 4 stars; one submission).

Conditions:
Spastic paraplegia. Identifiers: MedGen C0037772, HP:0001258.

Submission:

Labcorp Genetics (formerly Invitae), Labcorp
Classification: Uncertain significance for Spastic paraplegia. Last evaluated: 2025-09-02. Review status: criteria provided, single submitter. Criteria: Invitae Variant Classification Sherloc (09022015). Collection method: clinical testing. Allele origin: germline.
Comment: This variant, c.1747_1749dup, results in the insertion of 1 amino acid(s) of the KIF5A protein (p.Glu583dup), but otherwise preserves the integrity of the reading frame. This variant is not present in population databases (gnomAD no frequency). This variant has not been reported in the literature in individuals affected with KIF5A-related conditions. Experimental studies and prediction algorithms are not available or were not evaluated, and the functional significance of this variant is currently unknown. In summary, the available evidence is currently insufficient to determine the role of this variant in disease. Therefore, it has been classified as a Variant of Uncertain Significance.